The following is an entry in ClinVar:

ClinVar aggregate classification (germline): Uncertain significance (1 of 4 stars; one submission).

Allele frequency attached by ClinVar (database versions not stated): ExAC 0.00001; gnomAD exomes 0.00001.
gnomAD v4.1: 19 of 1,613,772 alleles (0.0012%); highest among the groups gnomAD compares: Middle Eastern, 0.033%; no homozygotes.

Submission:

Labcorp Genetics (formerly Invitae), Labcorp
Classification: Uncertain significance. Last evaluated: 2024-11-15. Review status: criteria provided, single submitter. Criteria: Invitae Variant Classification Sherloc (09022015). Collection method: clinical testing. Allele origin: germline.
Comment: This sequence change replaces serine, which is neutral and polar, with leucine, which is neutral and non-polar, at codon 182 of the NEDD4L protein (p.Ser182Leu). This variant is present in population databases (rs770647033, gnomAD 0.003%). This variant has not been reported in the literature in individuals affected with NEDD4L-related conditions. ClinVar contains an entry for this variant (Variation ID: 1040241). Invitae Evidence Modeling of protein sequence and biophysical properties (such as structural, functional, and spatial information, amino acid conservation, physicochemical variation, residue mobility, and thermodynamic stability) indicates that this missense variant is not expected to disrupt NEDD4L protein function with a negative predictive value of 80%. In summary, the available evidence is currently insufficient to determine the role of this variant in disease. Therefore, it has been classified as a Variant of Uncertain Significance.

NM_001144967.3(NEDD4L):c.545C>T (p.Ser182Leu)

Gene: NEDD4L (NEDD4 like E3 ubiquitin protein ligase; plus strand). Cytogenetic location: 18q21.31.
Variant type: single nucleotide variant.
Coding change: c.545C>T on transcript NM_001144967.3 (MANE Select); coding-DNA position 545, C replaced by T.
Protein change: p.Ser182Leu; replaces serine 182 with leucine.
Molecular consequence: missense variant.
Genome position (GRCh38, 1-based): chr18:58,325,027, C>T. VCF-style: chr18-58325027-C-T. GRCh37 (hg19) VCF-style: chr18-55992259-C-T.
Other names: c.182C>T, p.Ser61Leu (NM_001144964.1, NM_001144965.2, NM_001144966.3 and 2 more transcripts); c.521C>T, p.Ser174Leu (NM_001144968.2, NM_001144969.2); c.545C>T, p.Ser182Leu (NM_001243960.2, NM_015277.6); short protein forms S182L, S174L, S61L.
Identifiers: ClinVar variation 1040241 (VCV001040241.10), dbSNP rs770647033, ClinGen allele CA8975388.